The following is an entry in ClinVar:

NM_000057.4(BLM):c.1376C>A (p.Pro459His)

Gene: BLM (BLM RecQ like helicase; plus strand). Cytogenetic location: 15q26.1.
Variant type: single nucleotide variant.
Coding change: c.1376C>A on transcript NM_000057.4 (MANE Select); coding-DNA position 1376, C replaced by A.
Protein change: p.Pro459His; replaces proline 459 with histidine.
Molecular consequence: missense variant.
Genome position (GRCh38, 1-based): chr15:90,760,749, C>A. VCF-style: chr15-90760749-C-A. GRCh37 (hg19) VCF-style: chr15-91303979-C-A.
Other names: c.1376C>A, p.Pro459His (NM_001287246.2, NM_001287247.2); c.251C>A, p.Pro84His (NM_001287248.2); short protein forms P459H, P84H.
Identifiers: ClinVar variation 960468 (VCV000960468.13), dbSNP rs1302320494, ClinGen allele CA393842930.

ClinVar aggregate classification (germline): Uncertain significance. Review status: criteria provided, multiple submitters, no conflicts (2 of 4 stars). 2 submissions from 2 submitters: Uncertain significance (2). Last evaluated 2025-08-28.

Conditions:
Hereditary cancer-predisposing syndrome. Also called: Tumor predisposition; Hereditary neoplastic syndrome; Neoplastic Syndromes, Hereditary; Hereditary Cancer Syndrome. Identifiers: Orphanet 140162, MedGen C0027672, MeSH D009386, MONDO:0015356.
Bloom syndrome (BLM). Also called: Bloom-Torre-Machacek syndrome. Identifiers: Orphanet 125, MedGen C0005859, MONDO:0008876, OMIM 210900.

Submissions (2):

Ambry Genetics
Classification: Uncertain significance for Hereditary cancer-predisposing syndrome. Last evaluated: 2025-08-28. Review status: criteria provided, single submitter. Criteria: Ambry Variant Classification Scheme 2023. Collection method: clinical testing. Allele origin: germline.

Labcorp Genetics (formerly Invitae), Labcorp
Classification: Uncertain significance for Bloom syndrome. Last evaluated: 2019-09-21. Review status: criteria provided, single submitter. Criteria: Invitae Variant Classification Sherloc (09022015). Collection method: clinical testing. Allele origin: germline.
Comment: This variant has not been reported in the literature in individuals with BLM-related conditions. In summary, the available evidence is currently insufficient to determine the role of this variant in disease. Therefore, it has been classified as a Variant of Uncertain Significance. Algorithms developed to predict the effect of missense changes on protein structure and function are either unavailable or do not agree on the potential impact of this missense change (SIFT: "Tolerated"; PolyPhen-2: "Possibly Damaging"; Align-GVGD: "Class C0"). This variant is not present in population databases (ExAC no frequency). This sequence change replaces proline with histidine at codon 459 of the BLM protein (p.Pro459His). The proline residue is weakly conserved and there is a moderate physicochemical difference between proline and histidine.